The following is an entry in ClinVar:

NM_001202.6(BMP4):c.*28A>T

Gene: BMP4 (bone morphogenetic protein 4; minus strand). Cytogenetic location: 14q22.2.
Variant type: single nucleotide variant.
Coding change: c.*28A>T on transcript NM_001202.6 (MANE Select); 28 bases downstream of the stop codon, A replaced by T.
Molecular consequence: 3 prime UTR variant.
Genome position (GRCh38, 1-based): chr14:53,950,004, T>A on the plus strand (A>T on the coding strand, the complement: BMP4 is on the minus strand). VCF-style: chr14-53950004-T-A. GRCh37 (hg19) VCF-style: chr14-54416722-T-A.
Other names: c.*28A>T (NM_001347912.1, NM_001347913.2, NM_001347914.2 and 5 more transcripts).
Identifiers: ClinVar variation 881588 (VCV000881588.4), dbSNP rs185647938, ClinGen allele CA7191613.

ClinVar aggregate classification (germline): Benign/Likely benign. Review status: criteria provided, single submitter (1 of 4 stars). 2 submissions from 1 submitter: Benign (1); Likely benign (1). Last evaluated 2018-01-13.

Conditions:
Microphthalmia with brain and digit anomalies (MCOPS6). Also called: Microphthalmia, syndromic 6; MICROPHTHALMIA AND PITUITARY ANOMALIES. Identifiers: Orphanet 139471, MedGen C1864689, MONDO:0011936, OMIM 607932.
Orofacial cleft 11 (OFC11). Also called: Orofacial cleft 11; ofc11; CLEFT LIP WITH OR WITHOUT CLEFT PALATE, NONSYNDROMIC, 11. Identifiers: MedGen C2677434, MONDO:0010906, OMIM 600625.

Allele frequency attached by ClinVar (database versions not stated): gnomAD exomes 0.00018 and 0.00050; ExAC 0.00066; ESP Exome Variant Server 0.00192; gnomAD 0.00202 and 0.00213; TOPMed 0.00208; 1000 Genomes Project 30x 0.00234; 1000 Genomes Project 0.00240.
gnomAD v4.1: 584 of 1,613,230 alleles (0.036%); highest among the groups gnomAD compares: African/African-American, 0.71%; 3 homozygotes.

Submissions (2):

Illumina Laboratory Services, Illumina
Classification: Likely benign for Orofacial cleft 11. Last evaluated: 2018-01-13. Review status: criteria provided, single submitter. Criteria: ICSL Variant Classification Criteria 13 December 2019. Collection method: clinical testing. Allele origin: germline.
Comment: This variant was observed in the ICSL laboratory as part of a predisposition screen in an ostensibly healthy population. It had not been previously curated by ICSL or reported in the Human Gene Mutation Database (HGMD: prior to June 1st, 2018), and was therefore a candidate for classification through an automated scoring system. Utilizing variant allele frequency, disease prevalence and penetrance estimates, and inheritance mode, an automated score was calculated to assess if this variant is too frequent to cause the disease. Based on the score and internal cut-off values, a variant classified as likely benign is not then subjected to further curation. The score for this variant resulted in a classification of likely benign for this disease.

Illumina Laboratory Services, Illumina
Classification: Benign for Microphthalmia with brain and digit anomalies. Last evaluated: 2018-01-13. Review status: criteria provided, single submitter. Criteria: ICSL Variant Classification Criteria 13 December 2019. Collection method: clinical testing. Allele origin: germline.
Comment: This variant was observed in the ICSL laboratory as part of a predisposition screen in an ostensibly healthy population. It had not been previously curated by ICSL or reported in the Human Gene Mutation Database (HGMD: prior to June 1st, 2018), and was therefore a candidate for classification through an automated scoring system. Utilizing variant allele frequency, disease prevalence and penetrance estimates, and inheritance mode, an automated score was calculated to assess if this variant is too frequent to cause the disease. Based on the score and internal cut-off values, a variant classified as benign is not then subjected to further curation. The score for this variant resulted in a classification of benign for this disease.